The following is an entry in ClinVar:

NM_004385.5(VCAN):c.2849A>G (p.Glu950Gly)

Gene: VCAN (versican; plus strand). Cytogenetic location: 5q14.3.
Variant type: single nucleotide variant.
Coding change: c.2849A>G on transcript NM_004385.5 (MANE Select); coding-DNA position 2849, A replaced by G.
Protein change: p.Glu950Gly; replaces glutamic acid 950 with glycine.
Molecular consequence: missense variant. On other transcripts: intron variant (2).
Genome position (GRCh38, 1-based): chr5:83,521,155, A>G. VCF-style: chr5-83521155-A-G. GRCh37 (hg19) VCF-style: chr5-82816974-A-G.
Other names: c.2849A>G, p.Glu950Gly (NM_001164098.2); c.1042+8759A>G (NM_001164097.2, NM_001126336.3); short protein forms E950G.
Identifiers: ClinVar variation 1349783 (VCV001349783.6), dbSNP rs2112410955, ClinGen allele CA360304822.

ClinVar aggregate classification (germline): Uncertain significance (1 of 4 stars; one submission).

Submission:

Labcorp Genetics (formerly Invitae), Labcorp
Classification: Uncertain significance. Last evaluated: 2021-09-15. Review status: criteria provided, single submitter. Criteria: Invitae Variant Classification Sherloc (09022015). Collection method: clinical testing. Allele origin: germline.
Comment: Algorithms developed to predict the effect of missense changes on protein structure and function output the following: SIFT: "Deleterious"; PolyPhen-2: "Benign"; Align-GVGD: "Class C0". The glycine amino acid residue is found in multiple mammalian species, which suggests that this missense change does not adversely affect protein function. This sequence change replaces glutamic acid with glycine at codon 950 of the VCAN protein (p.Glu950Gly). The glutamic acid residue is highly conserved and there is a moderate physicochemical difference between glutamic acid and glycine. This variant is not present in population databases (ExAC no frequency). This variant has not been reported in the literature in individuals affected with VCAN-related conditions. In summary, the available evidence is currently insufficient to determine the role of this variant in disease. Therefore, it has been classified as a Variant of Uncertain Significance.